The following is an entry in ClinVar:

ClinVar aggregate classification (germline): Conflicting classifications of pathogenicity. Review status: criteria provided, conflicting classifications (1 of 4 stars). 2 submissions from 2 submitters: Likely pathogenic (1); Uncertain significance (1). Last evaluated 2026-10-19.

Conditions:
Inborn genetic diseases. Identifiers: MedGen C0950123, MeSH D030342.
Smith-Lemli-Opitz syndrome (SLOS). Also called: LETHAL ACRODYSGENITAL SYNDROME; POLYDACTYLY, SEX REVERSAL, RENAL HYPOPLASIA, AND UNILOBAR LUNG; RSH SYNDROME; RUTLEDGE LETHAL MULTIPLE CONGENITAL ANOMALY SYNDROME; 7-Dehydrocholesterol reductase deficiency. Identifiers: Orphanet 818, MedGen C0175694, MONDO:0010035, OMIM 270400.

Submissions (2):

Cellular and Molecular Research Center, Cellular and Molecular Medicine Research Institute,, Urmia University of Medical Sciences
Classification: Likely pathogenic for Smith-Lemli-Opitz syndrome. Last evaluated: 2026-10-19. Review status: criteria provided, single submitter. Criteria: ACMG Guidelines, 2015. Collection method: clinical testing. Allele origin: germline. Inheritance: Autosomal recessive inheritance. Affected: yes. Observed: 1 variant allele, 1 homozygote.
Comment: The DHCR7 gene encodes 7-dehydrocholesterol reductase, an enzyme that catalyzes the final step of cholesterol biosynthesis by converting 7-dehydrocholesterol (7-DHC) into cholesterol. Biallelic pathogenic variants in this gene cause Smith–Lemli–Opitz syndrome (SLOS; OMIM: 270400), a congenital metabolic and developmental disorder. SLOS was first described clinically by Smith, Lemli, and Opitz in 1964. The molecular cause was established in 1998, when independent research groups, including Fitzky et al. in Innsbruck, Austria, and Waterham et al. in Amsterdam, the Netherlands, identified pathogenic mutations in DHCR7 in affected individuals. The variant c.1418G>T is a single-nucleotide substitution, in which guanine (G), a purine, is replaced by thymine (T), a pyrimidine. This is therefore a transversion. At the protein level, it is reported as p.(Gly473Val), a missense change replacing glycine with valine at amino acid position 473. Pathogenic DHCR7 variants generally cause loss or reduction of enzyme activity. This impairs cholesterol production and leads to accumulation of 7-DHC and related sterol precursors. The resulting biochemical disturbance contributes to the characteristic features of SLOS, including congenital abnormalities, growth restriction, microcephaly, and intellectual disability. We used whole-exome sequencing, confirmed variants by Sanger sequencing and assessed segregation with phenotypes in the patient.

Ambry Genetics
Classification: Uncertain significance for Inborn genetic diseases. Last evaluated: 2024-10-08. Review status: criteria provided, single submitter. Criteria: Ambry Variant Classification Scheme 2023. Collection method: clinical testing. Allele origin: germline.

Literature cited by the submitters: PubMed 12914579 (cited by Cellular and Molecular Research Center, Cellular and Molecular Medicine Research Institute,, Urmia University of Medical Sciences).

NM_001360.3(DHCR7):c.1367G>T (p.Gly456Val)

Gene: DHCR7 (7-dehydrocholesterol reductase; minus strand). Cytogenetic location: 11q13.4.
Variant type: single nucleotide variant.
Coding change: c.1367G>T on transcript NM_001360.3 (MANE Select); coding-DNA position 1367, G replaced by T.
Protein change: p.Gly456Val; replaces glycine 456 with valine.
Molecular consequence: missense variant. On other transcripts: 3 prime UTR variant (3), intron variant (4).
Genome position (GRCh38, 1-based): chr11:71,435,436, C>A on the plus strand (G>T on the coding strand, the complement: DHCR7 is on the minus strand). VCF-style: chr11-71435436-C-A. GRCh37 (hg19) VCF-style: chr11-71146482-C-A.
Other names: c.1367G>T, p.Gly456Val (NM_001163817.2, NM_001425109.1, NM_001425110.1); c.1418G>T, p.Gly473Val (NM_001425107.1); c.1403G>T, p.Gly468Val (NM_001425108.1); c.*130G>T (NM_001425112.1, NM_001425116.1); c.1307G>T, p.Gly436Val (NM_001425113.1); c.1271G>T, p.Gly424Val (NM_001425114.1); c.1193G>T, p.Gly398Val (NM_001425117.1); c.*489G>T (NM_001425119.1); and 4 more; short protein forms G456V, G424V, G473V, G398V, G436V, G468V.
Identifiers: ClinVar variation 3501416 (VCV003501416.2).
Genomic context (GRCh38, chr11:71,435,436, plus strand): 5'-TAGAAGATTCCAGGCAGCAGGCGGTAAGGCACTGCGGCGGTGTAGCGCTCCCAGTCCCGG[C>A]CGTACTTGCTGGCGCAGCGGTGCTCGTCCCGGAGGCAGCGGTGGGTCAGCAGGATGGCCA-3'
Protein context (NP_001351.2, residues 446-466): RDEHRCASKY[Gly456Val]RDWERYTAAV